The following is an entry in ClinVar:

ClinVar aggregate classification (germline): Uncertain significance. Review status: criteria provided, multiple submitters, no conflicts (2 of 4 stars). 2 submissions from 2 submitters: Uncertain significance (2). Last evaluated 2025-11-03.

Conditions:
Inborn genetic diseases. Identifiers: MedGen C0950123, MeSH D030342.

Allele frequency attached by ClinVar (database versions not stated): TOPMed 0.00002; gnomAD exomes 0.00001; gnomAD 0.00003.
gnomAD v4.1: 22 of 1,614,092 alleles (0.0014%); highest among the groups gnomAD compares: Admixed American, 0.0033%; no homozygotes.

Submissions (2):

Ambry Genetics
Classification: Uncertain significance for Inborn genetic diseases. Last evaluated: 2025-11-03. Review status: criteria provided, single submitter. Criteria: Ambry Variant Classification Scheme 2023. Collection method: clinical testing. Allele origin: germline.

Labcorp Genetics (formerly Invitae), Labcorp
Classification: Uncertain significance. Last evaluated: 2022-09-23. Review status: criteria provided, single submitter. Criteria: Invitae Variant Classification Sherloc (09022015). Collection method: clinical testing. Allele origin: germline.
Comment: Algorithms developed to predict the effect of missense changes on protein structure and function (SIFT, PolyPhen-2, Align-GVGD) all suggest that this variant is likely to be disruptive. This variant has not been reported in the literature in individuals affected with WHSC1-related conditions. This variant is present in population databases (no rsID available, gnomAD 0.003%). This sequence change replaces glutamine, which is neutral and polar, with arginine, which is basic and polar, at codon 103 of the WHSC1 protein (p.Gln103Arg). In summary, the available evidence is currently insufficient to determine the role of this variant in disease. Therefore, it has been classified as a Variant of Uncertain Significance.

NM_001042424.3(NSD2):c.308A>G (p.Gln103Arg)

Gene: NSD2 (nuclear receptor binding SET domain protein 2; plus strand). Cytogenetic location: 4p16.3.
Variant type: single nucleotide variant.
Coding change: c.308A>G on transcript NM_001042424.3 (MANE Select); coding-DNA position 308, A replaced by G.
Protein change: p.Gln103Arg; replaces glutamine 103 with arginine.
Molecular consequence: missense variant.
Genome position (GRCh38, 1-based): chr4:1,900,962, A>G. VCF-style: chr4-1900962-A-G. GRCh37 (hg19) VCF-style: chr4-1902689-A-G.
Other names: c.308A>G, p.Gln103Arg (NM_007331.2, NM_133330.3, NM_133331.3 and 2 more transcripts); c.308A>G (NM_133330.2); short protein forms Q103R.
Identifiers: ClinVar variation 2175838 (VCV002175838.3), dbSNP rs974437164, ClinGen allele CA16040256.